The following is an entry in ClinVar:

ClinVar aggregate classification (germline): Pathogenic. Review status: reviewed by expert panel (3 of 4 stars). 4 submissions from 4 submitters: Pathogenic (1). 3 of the submissions do not count toward it. Last evaluated 2016-10-18.

Conditions:
Hereditary breast ovarian cancer syndrome. Also called: Hereditary breast and ovarian cancer; Hereditary breast and ovarian cancer syndrome (HBOC); Hereditary breast and/or ovarian cancer syndrome; Breast and ovarian cancer; Hereditary breast and ovarian cancer syndrome; BRCA1- and BRCA2-Associated Hereditary Breast and Ovarian Cancer. Identifiers: Orphanet 145, MedGen C0677776, MeSH D061325, MONDO:0003582. Disease mechanism: loss of function.
Hereditary cancer-predisposing syndrome. Also called: Tumor predisposition; Neoplastic Syndromes, Hereditary; Hereditary neoplastic syndrome; Hereditary Cancer Syndrome. Identifiers: Orphanet 140162, MedGen C0027672, MeSH D009386, MONDO:0015356.
Breast-ovarian cancer, familial, susceptibility to, 2 (BROVCA2). Also called: BRCA2 Hereditary Breast and Ovarian Cancer. Identifiers: Orphanet 145, MedGen C2675520, MONDO:0012933, OMIM 612555. Disease mechanism: loss of function.

Submissions (4):

Evidence-based Network for the Interpretation of Germline Mutant Alleles (ENIGMA)
Classification: Pathogenic for Breast-ovarian cancer, familial, susceptibility to, 2. Last evaluated: 2016-10-18. Review status: reviewed by expert panel. Criteria: ENIGMA BRCA1/2 Classification Criteria (2015). Collection method: curation. Allele origin: germline.
Comment: Variant allele predicted to encode a truncated non-functional protein.

Color Diagnostics, LLC DBA Color Health
Classification: Pathogenic for Hereditary cancer-predisposing syndrome. Last evaluated: 2020-01-15. Review status: criteria provided, single submitter. Criteria: ACMG Guidelines, 2015. Collection method: clinical testing. Allele origin: germline. Not counted in ClinVar's aggregate classification.
Comment: This variant changes 1 nucleotide in exon 11 of the BRCA2 gene, creating a premature translation stop signal. This variant is expected to result in an absent or non-functional protein product. This variant has not been identified in the general population by the Genome Aggregation Database (gnomAD). Loss of BRCA2 function is a known mechanism of disease. Based on the available evidence, this variant is classified as Pathogenic.

Labcorp Genetics (formerly Invitae), Labcorp
Classification: Pathogenic for Hereditary breast ovarian cancer syndrome. Last evaluated: 2019-09-28. Review status: criteria provided, single submitter. Criteria: Invitae Variant Classification Sherloc (09022015). Collection method: clinical testing. Allele origin: germline. Not counted in ClinVar's aggregate classification.
Comment: For these reasons, this variant has been classified as Pathogenic. Loss-of-function variants in BRCA2 are known to be pathogenic (PMID: 20104584). This variant has been observed in a family at risk for hereditary breast and/or ovarian cancer (PMID: 29446198). ClinVar contains an entry for this variant (Variation ID: 266740). This variant is not present in population databases (ExAC no frequency). This sequence change creates a premature translational stop signal (p.Lys1082*) in the BRCA2 gene. It is expected to result in an absent or disrupted protein product.

Consortium of Investigators of Modifiers of BRCA1/2 (CIMBA), c/o University of Cambridge
Classification: Pathogenic for Breast-ovarian cancer, familial, susceptibility to, 2. Last evaluated: 2015-10-02. Review status: criteria provided, single submitter. Criteria: CIMBA Mutation Classification guidelines May 2016. Collection method: clinical testing. Allele origin: germline. Not counted in ClinVar's aggregate classification.

Literature cited by the submitters: PubMed 20104584 (cited by Labcorp Genetics (formerly Invitae), Labcorp); PubMed 29446198 (cited by Labcorp Genetics (formerly Invitae), Labcorp).

NM_000059.4(BRCA2):c.3244A>T (p.Lys1082Ter)

Gene: BRCA2 (BRCA2 DNA repair associated; plus strand). Cytogenetic location: 13q13.1.
Variant type: single nucleotide variant.
Coding change: c.3244A>T on transcript NM_000059.4 (MANE Select); coding-DNA position 3244, A replaced by T.
Protein change: p.Lys1082Ter; replaces lysine 1082 with a stop codon.
Molecular consequence: nonsense.
Genome position (GRCh38, 1-based): chr13:32,337,599, A>T. VCF-style: chr13-32337599-A-T. GRCh37 (hg19) VCF-style: chr13-32911736-A-T.
Other names: 3472A>T; short protein forms K1082*.
Identifiers: ClinVar variation 266740 (VCV000266740.17), dbSNP rs886040465, ClinGen allele CA10589192.